The following is an entry in ClinVar:

NM_022168.4(IFIH1):c.875-2A>C

Gene: IFIH1 (interferon induced with helicase C domain 1; minus strand). Cytogenetic location: 2q24.2.
Variant type: single nucleotide variant.
Coding change: c.875-2A>C on transcript NM_022168.4 (MANE Select); the canonical splice acceptor site of the intron before coding-DNA position 875, A replaced by C.
Molecular consequence: splice acceptor variant.
Genome position (GRCh38, 1-based): chr2:162,288,357, T>G on the plus strand (A>C on the coding strand, the complement: IFIH1 is on the minus strand). VCF-style: chr2-162288357-T-G. GRCh37 (hg19) VCF-style: chr2-163144867-T-G.
Identifiers: ClinVar variation 4783961 (VCV004783961.1).

ClinVar aggregate classification (germline): Uncertain significance (1 of 4 stars; one submission).

Conditions:
Aicardi-Goutieres syndrome 7 (AGS7). Identifiers: Orphanet 51, MedGen C3888244, MONDO:0014367, OMIM 615846.
Singleton-Merten syndrome 1 (SGMRT1). Also called: Widened medullary cavities of bone, aortic calcification, abnormal dentition, and muscular weakness; Syndrome of widened medullary cavities of the metacarpals and phalanges, aortic calcification and abnormal dentition. Identifiers: Orphanet 85191, MedGen C4225427, MONDO:0024535, OMIM 182250.

Submission:

Labcorp Genetics (formerly Invitae), Labcorp
Classification: Uncertain significance for Aicardi-Goutieres syndrome 7; Singleton-Merten syndrome 1. Last evaluated: 2025-09-09. Review status: criteria provided, single submitter. Criteria: Invitae Variant Classification Sherloc (09022015). Collection method: clinical testing. Allele origin: germline.
Comment: This sequence change affects an acceptor splice site in intron 4 of the IFIH1 gene. It is expected to disrupt RNA splicing. Variants that disrupt the donor or acceptor splice site typically lead to a loss of protein function (PMID: 16199547), however the current clinical and genetic evidence is not sufficient to establish whether loss-of-function variants in IFIH1 cause disease. This variant is not present in population databases (gnomAD no frequency). This variant has not been reported in the literature in individuals affected with IFIH1-related conditions. Algorithms developed to predict the effect of sequence changes on RNA splicing suggest that this variant may disrupt the consensus splice site. In summary, the available evidence is currently insufficient to determine the role of this variant in disease. Therefore, it has been classified as a Variant of Uncertain Significance.

Literature cited by the submitters: PubMed 16199547.